The following is an entry in ClinVar:

ClinVar aggregate classification (germline): Likely benign. Review status: criteria provided, multiple submitters, no conflicts (2 of 4 stars). 3 submissions from 3 submitters: Likely benign (2). 1 of the submissions does not count toward it. Last evaluated 2024-05-30.

Conditions:
Hereditary cancer-predisposing syndrome. Also called: Hereditary neoplastic syndrome; Hereditary Cancer Syndrome; Tumor predisposition; Neoplastic Syndromes, Hereditary. Identifiers: Orphanet 140162, MedGen C0027672, MeSH D009386, MONDO:0015356.
MSH3-related disorder. Also called: MSH3-related condition.

Allele frequency attached by ClinVar (database versions not stated): gnomAD exomes below 0.00001.
gnomAD v4.1: 1 of 1,613,904 alleles (0.000062%); highest among the groups gnomAD compares: Non-Finnish European, 0.000085%; no homozygotes.

Submissions (3):

Ambry Genetics
Classification: Likely benign for Hereditary cancer-predisposing syndrome. Last evaluated: 2024-05-30. Review status: criteria provided, single submitter. Criteria: Ambry Variant Classification Scheme 2023. Collection method: clinical testing. Allele origin: germline.

Labcorp Genetics (formerly Invitae), Labcorp
Classification: Likely benign. Last evaluated: 2019-06-18. Review status: criteria provided, single submitter. Criteria: Invitae Variant Classification Sherloc (09022015). Collection method: clinical testing. Allele origin: germline.

PreventionGenetics, part of Exact Sciences
Classification: Likely benign for MSH3-related condition. Last evaluated: 2021-12-14. Review status: no assertion criteria provided. Collection method: clinical testing. Allele origin: germline. Not counted in ClinVar's aggregate classification.
Comment: This variant is classified as likely benign based on ACMG/AMP sequence variant interpretation guidelines (Richards et al. 2015 PMID: 25741868, with internal and published modifications).

NM_002439.5(MSH3):c.3093A>T (p.Gly1031=)

Gene: MSH3 (mutS homolog 3; plus strand). Cytogenetic location: 5q14.1.
Variant type: single nucleotide variant.
Coding change: c.3093A>T on transcript NM_002439.5 (MANE Select); coding-DNA position 3093, A replaced by T.
Protein change: p.Gly1031=; no amino-acid change (glycine 1031 retained).
Molecular consequence: synonymous variant.
Genome position (GRCh38, 1-based): chr5:80,864,905, A>T. VCF-style: chr5-80864905-A-T. GRCh37 (hg19) VCF-style: chr5-80160724-A-T.
Other names: c.3093A>T (NM_002439.3, NM_002439.4).
Identifiers: ClinVar variation 1154418 (VCV001154418.12), dbSNP rs2112118518, ClinGen allele CA445224449.